The following is an entry in ClinVar:

ClinVar aggregate classification (germline): Uncertain significance (1 of 4 stars; one submission).

Conditions:
Early-infantile DEE. Also called: Ohtahara syndrome; Early infantile epileptic encephalopathy; Early infantile epileptic encephalopathy with suppression bursts. Identifiers: Orphanet 1934, MedGen C0393706, MONDO:0800491.

Submission:

Labcorp Genetics (formerly Invitae), Labcorp
Classification: Uncertain significance for Early-infantile DEE. Last evaluated: 2021-06-03. Review status: criteria provided, single submitter. Criteria: Invitae Variant Classification Sherloc (09022015). Collection method: clinical testing. Allele origin: germline.
Comment: This variant is not present in population databases (ExAC no frequency). This sequence change replaces alanine with threonine at codon 30 of the SCN8A protein (p.Ala30Thr). The alanine residue is moderately conserved and there is a small physicochemical difference between alanine and threonine. This variant has not been reported in the literature in individuals with SCN8A-related conditions. Algorithms developed to predict the effect of missense changes on protein structure and function are either unavailable or do not agree on the potential impact of this missense change (SIFT: "Deleterious"; PolyPhen-2: "Benign"; Align-GVGD: "Class C0"). In summary, the available evidence is currently insufficient to determine the role of this variant in disease. Therefore, it has been classified as a Variant of Uncertain Significance.

NM_001330260.2(SCN8A):c.88G>A (p.Ala30Thr)

Genes: SCN8A (sodium voltage-gated channel alpha subunit 8; plus strand), LOC114803470 (SCN8A eExon liver enhancer; plus strand). Cytogenetic location: 12q13.13.
Variant type: single nucleotide variant.
Coding change: c.88G>A on transcript NM_001330260.2 (MANE Select); coding-DNA position 88, G replaced by A.
Protein change: p.Ala30Thr; replaces alanine 30 with threonine.
Molecular consequence: missense variant.
Genome position (GRCh38, 1-based): chr12:51,662,905, G>A. VCF-style: chr12-51662905-G-A. GRCh37 (hg19) VCF-style: chr12-52056689-G-A.
Other names: c.88G>A, p.Ala30Thr (NM_001177984.3, NM_001369788.1, NM_014191.4); short protein forms A30T.
Identifiers: ClinVar variation 1383175 (VCV001383175.9), dbSNP rs2138671059, ClinGen allele CA385227654.